The following is an entry in ClinVar:

NM_019597.5(HNRNPH2):c.985G>A (p.Gly329Ser)

Genes: HNRNPH2 (heterogeneous nuclear ribonucleoprotein H2; plus strand), RPL36A-HNRNPH2 (RPL36A-HNRNPH2 readthrough; plus strand). Cytogenetic location: Xq22.1.
Variant type: single nucleotide variant.
Coding change: c.985G>A on transcript NM_019597.5 (MANE Select); coding-DNA position 985, G replaced by A.
Protein change: p.Gly329Ser; replaces glycine 329 with serine.
Molecular consequence: missense variant. On other transcripts: 3 prime UTR variant (2).
Genome position (GRCh38, 1-based): chrX:101,412,973, G>A. VCF-style: chrX-101412973-G-A. GRCh37 (hg19) VCF-style: chrX-100667961-G-A.
Other names: c.*981G>A (NM_001199973.2, NM_001199974.2); c.985G>A, p.Gly329Ser (NM_001032393.3); short protein forms G329S.
Identifiers: ClinVar variation 3367541 (VCV003367541.1).

ClinVar aggregate classification (germline): Uncertain significance (1 of 4 stars; one submission).

Submission:

GeneDx
Classification: Uncertain significance. Last evaluated: 2024-01-05. Review status: criteria provided, single submitter. Criteria: GeneDx Variant Classification Process June 2021. Collection method: clinical testing. Allele origin: germline. Affected: yes.
Comment: Not observed at significant frequency in large population cohorts (gnomAD); In silico analysis supports that this missense variant has a deleterious effect on protein structure/function; Has not been previously published as pathogenic or benign to our knowledge